The following is an entry in ClinVar:

ClinVar aggregate classification (germline): Uncertain significance (1 of 4 stars; one submission).

Conditions:
VPS13B-related disorder. Also called: VPS13B-related condition.

Allele frequency attached by ClinVar (database versions not stated): gnomAD exomes below 0.00001.
gnomAD v4.1: 2 of 1,613,958 alleles (0.00012%); highest among the groups gnomAD compares: Admixed American, 0.0033%; no homozygotes.

Submission:

PreventionGenetics, part of Exact Sciences
Classification: Uncertain significance for VPS13B-related condition. Last evaluated: 2023-06-06. Review status: criteria provided, single submitter. Criteria: ACMG Guidelines, 2015. Collection method: clinical testing. Allele origin: germline.
Comment: The VPS13B c.3073A>C variant is predicted to result in the amino acid substitution p.Thr1025Pro. To our knowledge, this variant has not been reported in the literature. This variant is reported in 0.0029% of alleles in individuals of Latino descent in gnomAD. At this time, the clinical significance of this variant is uncertain due to the absence of conclusive functional and genetic evidence.

NM_152564.5(VPS13B):c.3073A>C (p.Thr1025Pro)

Gene: VPS13B (vacuolar protein sorting 13 homolog B; plus strand). Cytogenetic location: 8q22.2.
Variant type: single nucleotide variant.
Coding change: c.3073A>C on transcript NM_152564.5 (MANE Select); coding-DNA position 3073, A replaced by C.
Protein change: p.Thr1025Pro; replaces threonine 1025 with proline.
Molecular consequence: missense variant.
Genome position (GRCh38, 1-based): chr8:99,391,695, A>C. VCF-style: chr8-99391695-A-C. GRCh37 (hg19) VCF-style: chr8-100403923-A-C.
Other names: c.3073A>C, p.Thr1025Pro (NM_017890.5); short protein forms T1025P.
Identifiers: ClinVar variation 2632891 (VCV002632891.1), dbSNP rs1563704495, ClinGen allele CA371865862.